The following is an entry in ClinVar:

NR_001564.3(XIST):n.16081T>A

Genes: TSIX (TSIX transcript, XIST antisense RNA; plus strand), XIST (X inactive specific transcript; minus strand). Cytogenetic location: Xq13.2.
Variant type: single nucleotide variant.
Molecular consequence: non-coding transcript variant (on NR_003255.2).
Genome position: GRCh38 VCF-style: chrX-73823811-A-T. GRCh37 (hg19) VCF-style: chrX-73043646-A-T.
Identifiers: ClinVar variation 3045837 (VCV003045837.2), dbSNP rs73624269, ClinGen allele CA10452046.

ClinVar aggregate classification (germline): Benign (0 of 4 stars; one submission).

Conditions:
XIST-related disorder. Also called: XIST-related condition.

Allele frequency attached by ClinVar (database versions not stated): gnomAD exomes 0.00071; ExAC 0.00118; 1000 Genomes Project 0.00238; ESP Exome Variant Server 0.00243; 1000 Genomes Project 30x 0.00271; gnomAD 0.00389; TOPMed 0.00461.
gnomAD v4.1: 744 of 554,731 alleles (0.13%); highest among the groups gnomAD compares: African/African-American, 1.4%; 5 homozygotes.

Submission:

PreventionGenetics, part of Exact Sciences
Classification: Benign for XIST-related condition. Last evaluated: 2019-11-25. Review status: no assertion criteria provided. Collection method: clinical testing. Allele origin: germline.
Comment: This variant is classified as benign based on ACMG/AMP sequence variant interpretation guidelines (Richards et al. 2015 PMID: 25741868, with internal and published modifications).